The following is an entry in ClinVar:

ClinVar aggregate classification (germline): Uncertain significance (1 of 4 stars; one submission).

Conditions:
STING-associated vasculopathy with onset in infancy. Also called: Sting-associated vasculopathy, infantile-onset. Identifiers: Orphanet 425120, MedGen C4014722, MONDO:0014405, OMIM 615934.

Submission:

Labcorp Genetics (formerly Invitae), Labcorp
Classification: Uncertain significance for STING-associated vasculopathy with onset in infancy. Last evaluated: 2025-12-16. Review status: criteria provided, single submitter. Criteria: Invitae Variant Classification Sherloc (09022015). Collection method: clinical testing. Allele origin: germline.
Comment: This sequence change replaces alanine, which is neutral and non-polar, with threonine, which is neutral and polar, at codon 177 of the TMEM173 protein (p.Ala177Thr). This variant is not present in population databases (gnomAD no frequency). This variant has not been reported in the literature in individuals affected with TMEM173-related conditions. ClinVar contains an entry for this variant (Variation ID: 1680251). Invitae Evidence Modeling of protein sequence and biophysical properties (such as structural, functional, and spatial information, amino acid conservation, physicochemical variation, residue mobility, and thermodynamic stability) indicates that this missense variant is not expected to disrupt TMEM173 protein function with a negative predictive value of 80%. In summary, the available evidence is currently insufficient to determine the role of this variant in disease. Therefore, it has been classified as a Variant of Uncertain Significance.

NM_198282.4(STING1):c.529G>A (p.Ala177Thr)

Gene: STING1 (stimulator of interferon response cGAMP interactor 1; minus strand). Cytogenetic location: 5q31.2.
Variant type: single nucleotide variant.
Coding change: c.529G>A on transcript NM_198282.4 (MANE Select); coding-DNA position 529, G replaced by A.
Protein change: p.Ala177Thr; replaces alanine 177 with threonine.
Molecular consequence: missense variant.
Genome position (GRCh38, 1-based): chr5:139,478,500, C>T on the plus strand (G>A on the coding strand, the complement: STING1 is on the minus strand). VCF-style: chr5-139478500-C-T. GRCh37 (hg19) VCF-style: chr5-138858085-C-T.
Other names: c.529G>A, p.Ala177Thr (NM_001301738.2); c.172G>A, p.Ala58Thr (NM_001367258.1); short protein forms A177T, A58T.
Identifiers: ClinVar variation 1680251 (VCV001680251.6), dbSNP rs2152093638, ClinGen allele CA361480359.
Genomic context (GRCh38, chr5:139,478,500, plus strand): 5'-GCTGGCTCACTGCACCCCGTAGCAGGTTGTTGTAATGCTGATTGTAAGTTCGAATCCGGG[C>T]CTGGAGCTCTGAGGCAGGGAAGCCCAAGAAGTTATTCCTGCTAACCCTATCTCCCACCTG-3'
Protein context (NP_938023.1, residues 167-187): YLRLILPELQ[Ala177Thr]RIRTYNQHYN